The following is an entry in ClinVar:

NM_000187.4(HGD):c.808G>A (p.Gly270Arg)

Gene: HGD (homogentisate 1,2-dioxygenase; minus strand). Cytogenetic location: 3q13.33.
Variant type: single nucleotide variant.
Coding change: c.808G>A on transcript NM_000187.4 (MANE Select); coding-DNA position 808, G replaced by A.
Protein change: p.Gly270Arg; replaces glycine 270 with arginine.
Molecular consequence: missense variant.
Genome position (GRCh38, 1-based): chr3:120,641,660, C>T on the plus strand (G>A on the coding strand, the complement: HGD is on the minus strand). VCF-style: chr3-120641660-C-T. GRCh37 (hg19) VCF-style: chr3-120360507-C-T.
Other names: short protein forms G270R.
Identifiers: ClinVar variation 3175 (VCV000003175.22), dbSNP rs120074174, ClinGen allele CA340049.
Genomic context (GRCh38, chr3:120,641,660, plus strand): 5'-AGGCCACTGAGTTGATAACCATGAAATTCTTCAGGTTGTACTTGTAGGGTGTATAATTCC[C>T]GTGCCAGGCCACAACATTGAACGGGGAGACATCCTAAACACAAAAAGCAGGAAAGGATAA-3'
Protein context (NP_000178.2, residues 260-280): VSPFNVVAWH[Gly270Arg]NYTPYKYNLK

ClinVar aggregate classification (germline): Pathogenic/Likely pathogenic. Review status: criteria provided, multiple submitters, no conflicts (2 of 4 stars). 11 submissions from 11 submitters: Pathogenic (5); Likely pathogenic (2). 4 of the submissions do not count toward it. Last evaluated 2025-10-03.

Conditions:
Alkaptonuria (AKU). Also called: Alkaptonuric ochronosis; HOMOGENTISIC ACID OXIDASE DEFICIENCY; Alcaptonuria; Homogentisic acidura. Identifiers: Orphanet 56, MedGen C0002066, MONDO:0008753, OMIM 203500.

Allele frequency attached by ClinVar (database versions not stated): gnomAD exomes 0.00003 and 0.00006; gnomAD 0.00006 and 0.00005; ExAC 0.00007; TOPMed 0.00010.
gnomAD v4.1: 51 of 1,613,766 alleles (0.0032%); highest among the groups gnomAD compares: South Asian, 0.022%; no homozygotes.

Submissions (11):

Labcorp Genetics (formerly Invitae), Labcorp
Classification: Pathogenic for Alkaptonuria. Last evaluated: 2025-10-03. Review status: criteria provided, single submitter. Criteria: Invitae Variant Classification Sherloc (09022015). Collection method: clinical testing. Allele origin: germline.
Comment: This sequence change replaces glycine, which is neutral and non-polar, with arginine, which is basic and polar, at codon 270 of the HGD protein (p.Gly270Arg). This variant is present in population databases (rs120074174, gnomAD 0.02%). This missense change has been observed in individual(s) with HGD-related conditions (PMID: 10970188, 12872836, 19862842, 23430897). ClinVar contains an entry for this variant (Variation ID: 3175). Invitae Evidence Modeling of protein sequence and biophysical properties (such as structural, functional, and spatial information, amino acid conservation, physicochemical variation, residue mobility, and thermodynamic stability) indicates that this missense variant is expected to disrupt HGD protein function with a positive predictive value of 95%. For these reasons, this variant has been classified as Pathogenic.

First Genomix Gene Laboratory, Genetic Diagnostics Department
Classification: Likely pathogenic for Alkaptonuria. Last evaluated: 2025-09-17. Review status: criteria provided, single submitter. Criteria: ACMG Guidelines, 2015. Collection method: clinical testing. Allele origin: germline. Inheritance: Autosomal recessive inheritance. Affected: no. Observed: 1 variant allele.

Dasa
Classification: Pathogenic. Last evaluated: 2025-09-12. Review status: criteria provided, single submitter. Criteria: DASA Assertion Criteria. Collection method: clinical testing. Allele origin: germline.
Comment: NM_000187.4(HGD):c.808G>A (p.Gly270Arg) is a missense variant that results in the substitution of glycine with arginine. This variant has been observed in affected individuals with related phenotype in a genotype context consistent with recessive disease (PMID: 25681086; PMID: 19862842; PMID: 37658095; PMID: 25804398). This variant has been recurrently observed in individuals with related phenotype (PMID: 25681086; PMID: 19862842; PMID: 37658095; PMID: 25804398). Multiple computational predictions support a deleterious effect on the gene or gene product. The variant is present at low frequency in population datasets. Based on the available data, this variant is classified as pathogenic.

Women's Health and Genetics/Laboratory Corporation of America, LabCorp
Classification: Pathogenic for Alkaptonuria. Last evaluated: 2024-09-17. Review status: criteria provided, single submitter. Criteria: LabCorp Variant Classification Summary - May 2015. Collection method: clinical testing. Allele origin: germline.
Comment: Variant summary: HGD c.808G>A (p.Gly270Arg) results in a non-conservative amino acid change located in the N-terminal domain (IPR046452) of the encoded protein sequence. Five of five in-silico tools predict a damaging effect of the variant on protein function. The variant allele was found at a frequency of 5.6e-05 in 251412 control chromosomes. This frequency is not significantly higher than estimated for a pathogenic variant in HGD causing Alkaptonuria, allowing no conclusion about variant significance. c.808G>A has been reported in the literature in multiple compound heterozygous and homozygous individuals affected with Alkaptonuria (e.g., Zatkova_2000, Porfirio_2000). These data indicate that the variant is very likely to be associated with disease. The following publications have been ascertained in the context of this evaluation (PMID: 10819641, 10970188). ClinVar contains an entry for this variant (Variation ID: 3175). Based on the evidence outlined above, the variant was classified as pathogenic.

Fulgent Genetics
Classification: Pathogenic for Alkaptonuria. Last evaluated: 2024-05-21. Review status: criteria provided, single submitter. Criteria: ACMG Guidelines, 2015. Collection method: clinical testing. Allele origin: germline.

Revvity Omics, Revvity
Classification: Likely pathogenic for Alkaptonuria. Last evaluated: 2021-11-23. Review status: criteria provided, single submitter. Criteria: ACMG Guidelines, 2015. Collection method: clinical testing. Allele origin: germline.

Kariminejad - Najmabadi Pathology & Genetics Center
Classification: Pathogenic for Alkaptonuria. Review status: criteria provided, single submitter. Criteria: ACMG Guidelines, 2015. Collection method: clinical testing. Allele origin: germline. Affected: no.

Counsyl
Classification: Pathogenic for Alkaptonuria. Last evaluated: 2015-12-18. Review status: no assertion criteria provided. Collection method: clinical testing. Allele origin: unknown. Not counted in ClinVar's aggregate classification.

OMIM
Classification: Pathogenic for ALKAPTONURIA. Last evaluated: 2003-01-01. Review status: no assertion criteria provided. Collection method: literature only. Allele origin: germline. Not counted in ClinVar's aggregate classification.

Department Of Human Genetics, Institute Of Clinical And Translational Research, Biomedical Research Center, Slovak Academy Of Sciences
Classification: Pathogenic for Alkaptonuria. Review status: no assertion criteria provided. Collection method: research. Allele origin: germline. Inheritance: Autosomal recessive inheritance. Affected: yes. Observed: 42 variant alleles. Not counted in ClinVar's aggregate classification.
Comment: The variant was originally described in AKU patient in PMID:10482952. It has been submitted to the HGD gene mutation database (DB-ID: AKU_00079).

GeneReviews
No classification provided. Condition: Alkaptonuria. Review status: no classification provided. Collection method: literature only. Allele origin: germline. Not counted in ClinVar's aggregate classification.
Comment: 1 of 4 founder variants in the Slovak population

Literature cited by the submitters: PubMed 10970188 (cited by Labcorp Genetics (formerly Invitae), Labcorp and Women's Health and Genetics/Laboratory Corporation of America, LabCorp); PubMed 12872836 (cited by Labcorp Genetics (formerly Invitae), Labcorp); PubMed 19862842 (cited by Labcorp Genetics (formerly Invitae), Labcorp and Dasa); PubMed 23430897 (cited by Labcorp Genetics (formerly Invitae), Labcorp); PubMed 25681086 (cited by Dasa); PubMed 37658095 (cited by Dasa); PubMed 25804398 (cited by Dasa); PubMed 10819641 (cited by Women's Health and Genetics/Laboratory Corporation of America, LabCorp); PubMed 12872815 (cited by OMIM); PubMed 10482952 (cited by 3 submitters); PubMed 11001939 (cited by OMIM); PubMed 20301627 (cited by GeneReviews).